The following is an entry in ClinVar:

NM_000179.3(MSH6):c.1943G>T (p.Ser648Ile)

Gene: MSH6 (mutS homolog 6; plus strand). Cytogenetic location: 2p16.3.
Variant type: single nucleotide variant.
Coding change: c.1943G>T on transcript NM_000179.3 (MANE Select); coding-DNA position 1943, G replaced by T.
Protein change: p.Ser648Ile; replaces serine 648 with isoleucine.
Molecular consequence: missense variant.
Genome position (GRCh38, 1-based): chr2:47,799,926, G>T. VCF-style: chr2-47799926-G-T. GRCh37 (hg19) VCF-style: chr2-48027065-G-T.
Other names: c.1553G>T, p.Ser518Ile (NM_001281492.2); c.1037G>T, p.Ser346Ile (NM_001281493.2, NM_001281494.2); short protein forms S648I, S346I, S518I.
Identifiers: ClinVar variation 234553 (VCV000234553.19), dbSNP rs876661082, ClinGen allele CA10577270.

ClinVar aggregate classification (germline): Uncertain significance. Review status: criteria provided, multiple submitters, no conflicts (2 of 4 stars). 4 submissions from 4 submitters: Uncertain significance (4). Last evaluated 2025-02-21.

Conditions:
Hereditary nonpolyposis colorectal neoplasms. Identifiers: MedGen C0009405, MeSH D003123.
Hereditary cancer-predisposing syndrome. Also called: Hereditary neoplastic syndrome; Hereditary Cancer Syndrome; Neoplastic Syndromes, Hereditary; Tumor predisposition. Identifiers: Orphanet 140162, MedGen C0027672, MeSH D009386, MONDO:0015356.

Allele frequency attached by ClinVar (database versions not stated): gnomAD exomes below 0.00001.
gnomAD v4.1: 3 of 1,614,168 alleles (0.00019%); highest among the groups gnomAD compares: Non-Finnish European, 0.00025%; no homozygotes.

Submissions (4):

Ambry Genetics
Classification: Uncertain significance for Hereditary cancer-predisposing syndrome. Last evaluated: 2025-02-21. Review status: criteria provided, single submitter. Criteria: Ambry Variant Classification Scheme 2023. Collection method: clinical testing. Allele origin: germline.
Comment: The p.S648I variant (also known as c.1943G>T), located in coding exon 4 of the MSH6 gene, results from a G to T substitution at nucleotide position 1943. The serine at codon 648 is replaced by isoleucine, an amino acid with dissimilar properties. This amino acid position is poorly conserved in available vertebrate species. In addition, this alteration is predicted to be tolerated by in silico analysis. Based on the available evidence, the clinical significance of this variant remains unclear.

Color Diagnostics, LLC DBA Color Health
Classification: Uncertain significance for Hereditary cancer-predisposing syndrome. Last evaluated: 2024-03-06. Review status: criteria provided, single submitter. Criteria: ACMG Guidelines, 2015. Collection method: clinical testing. Allele origin: germline.
Comment: This missense variant replaces serine with isoleucine at codon 648 of the MSH6 protein. Computational prediction suggests that this variant may not impact protein structure and function (internally defined REVEL score threshold <= 0.5, PMID: 27666373). To our knowledge, functional studies have not been reported for this variant. This variant has not been reported in individuals affected with MSH6-related disorders in the literature. This variant has not been identified in the general population by the Genome Aggregation Database (gnomAD). The available evidence is insufficient to determine the role of this variant in disease conclusively. Therefore, this variant is classified as a Variant of Uncertain Significance.

Labcorp Genetics (formerly Invitae), Labcorp
Classification: Uncertain significance for Hereditary nonpolyposis colorectal neoplasms. Last evaluated: 2022-10-31. Review status: criteria provided, single submitter. Criteria: Invitae Variant Classification Sherloc (09022015). Collection method: clinical testing. Allele origin: germline.
Comment: In summary, the available evidence is currently insufficient to determine the role of this variant in disease. Therefore, it has been classified as a Variant of Uncertain Significance. This variant has not been reported in the literature in individuals affected with MSH6-related conditions. This variant is not present in population databases (gnomAD no frequency). This sequence change replaces serine, which is neutral and polar, with isoleucine, which is neutral and non-polar, at codon 648 of the MSH6 protein (p.Ser648Ile). ClinVar contains an entry for this variant (Variation ID: 234553). Advanced modeling of protein sequence and biophysical properties (such as structural, functional, and spatial information, amino acid conservation, physicochemical variation, residue mobility, and thermodynamic stability) performed at Invitae indicates that this missense variant is not expected to disrupt MSH6 protein function.

GeneDx
Classification: Uncertain significance. Last evaluated: 2015-10-07. Review status: criteria provided, single submitter. Criteria: GeneDx Variant Classification (06012015). Collection method: clinical testing. Allele origin: germline. Affected: yes.
Comment: This variant is denoted MSH6 c.1943G>T at the cDNA level, p.Ser648Ile (S648I) at the protein level, and results in the change of a Serine to an Isoleucine (AGT>ATT). This variant has not, to our knowledge, been published in the literature as being pathogenic or benign. MSH6 Ser648Ile was not observed in approximately 6,500 individuals of European and African American ancestry in the NHLBI Exome Sequencing Project, indicating it is not a common benign variant in these populations. Since Serine and Isoleucine differ in polarity, charge, size or other properties, this is considered a non-conservative amino acid substitution. MSH6 Ser648Ile occurs at a position that is not conserved and is located in domain II of the MutS domain (Terui 2013). In silico analyses predict that this variant is unlikely to alter protein structure or function. Based on currently available evidence, it is unclear whether MSH6 Ser648Ile is pathogenic or benign.